The following is an entry in ClinVar:

ClinVar aggregate classification (germline): Likely benign. Review status: criteria provided, multiple submitters, no conflicts (2 of 4 stars). 2 submissions from 2 submitters: Likely benign (2). Last evaluated 2025-05-16.

Conditions:
Tuberous sclerosis 2 (TSC2). Identifiers: Orphanet 805, MedGen C1860707, MONDO:0013199, OMIM 613254.

gnomAD v4.1: 2 of 1,604,444 alleles (0.00012%); highest among the groups gnomAD compares: Non-Finnish European, 0.00017%; no homozygotes.

Submissions (2):

Myriad Genetics, Inc.
Classification: Likely benign for Tuberous sclerosis 2. Last evaluated: 2025-05-16. Review status: criteria provided, single submitter. Criteria: Myriad Autosomal Dominant, Autosomal Recessive and X-Linked Classification Criteria (2023). Collection method: clinical testing. Allele origin: unknown.
Comment: This variant is considered likely benign. This variant is intronic and is not expected to impact mRNA splicing.

Labcorp Genetics (formerly Invitae), Labcorp
Classification: Likely benign for Tuberous sclerosis 2. Last evaluated: 2025-04-27. Review status: criteria provided, single submitter. Criteria: Invitae Variant Classification Sherloc (09022015). Collection method: clinical testing. Allele origin: germline.

NM_000548.5(TSC2):c.1947-13C>T

Gene: TSC2 (TSC complex subunit 2; plus strand). Cytogenetic location: 16p13.3.
Variant type: single nucleotide variant.
Coding change: c.1947-13C>T on transcript NM_000548.5 (MANE Select); 13 bases into the intron before coding-DNA position 1947, C replaced by T.
Molecular consequence: intron variant.
Genome position (GRCh38, 1-based): chr16:2,071,771, C>T. VCF-style: chr16-2071771-C-T. GRCh37 (hg19) VCF-style: chr16-2121772-C-T.
Other names: c.1947-13C>T (NM_001114382.3, NM_021055.3, NM_001370405.1 and 3 more transcripts); c.1836-13C>T (NM_001318827.2); c.1347-13C>T (NM_001318831.2); c.1800-13C>T (NM_001318829.2); c.1980-13C>T (NM_001318832.2).
Identifiers: ClinVar variation 1617594 (VCV001617594.9), dbSNP rs2151303173, ClinGen allele CA2573151555.
Genomic context (GRCh38, chr16:2,071,771, plus strand): 5'-GGTTGGGAAGAGCCAAGTCTGTTCCGTTCCTGCTGCGGGGACTTGGCCTCAGCTGCTTCT[C>T]TTGCTTCTGCAGGGAGCCAGAGAGAGGCTCTGAGAAGAAGACCAGCGGCCCCCTTTCTCC-3'